The following is an entry in ClinVar:

NM_015047.3(EMC1):c.2321T>C (p.Val774Ala)

Genes: EMC1 (ER membrane protein complex subunit 1; minus strand), EMC1-AS1 (EMC1 antisense RNA 1; plus strand). Cytogenetic location: 1p36.13.
Variant type: single nucleotide variant.
Coding change: c.2321T>C on transcript NM_015047.3 (MANE Select); coding-DNA position 2321, T replaced by C.
Protein change: p.Val774Ala; replaces valine 774 with alanine.
Molecular consequence: missense variant.
Genome position (GRCh38, 1-based): chr1:19,223,451, A>G on the plus strand (T>C on the coding strand, the complement: EMC1 is on the minus strand). VCF-style: chr1-19223451-A-G. GRCh37 (hg19) VCF-style: chr1-19549945-A-G.
Other names: c.2318T>C, p.Val773Ala (NM_001271427.2, NM_001271428.2); c.2255T>C, p.Val752Ala (NM_001271429.2); c.2330T>C, p.Val777Ala (NM_001375820.1); c.2327T>C, p.Val776Ala (NM_001375821.1); short protein forms V752A, V776A, V777A, V773A, V774A.
Identifiers: ClinVar variation 2876787 (VCV002876787.3), dbSNP rs1218426523, ClinGen allele CA338754875.

ClinVar aggregate classification (germline): Uncertain significance (1 of 4 stars; one submission).

Allele frequency attached by ClinVar (database versions not stated): gnomAD exomes 0.00001; TOPMed 0.00001.
gnomAD v4.1: 16 of 1,614,202 alleles (0.00099%); highest among the groups gnomAD compares: Non-Finnish European, 0.0013%; no homozygotes.

Submission:

Labcorp Genetics (formerly Invitae), Labcorp
Classification: Uncertain significance. Last evaluated: 2024-01-11. Review status: criteria provided, single submitter. Criteria: Invitae Variant Classification Sherloc (09022015). Collection method: clinical testing. Allele origin: germline.
Comment: This sequence change replaces valine, which is neutral and non-polar, with alanine, which is neutral and non-polar, at codon 774 of the EMC1 protein (p.Val774Ala). This variant is present in population databases (no rsID available, gnomAD 0.002%). This variant has not been reported in the literature in individuals affected with EMC1-related conditions. Advanced modeling of protein sequence and biophysical properties (such as structural, functional, and spatial information, amino acid conservation, physicochemical variation, residue mobility, and thermodynamic stability) performed at Invitae indicates that this missense variant is not expected to disrupt EMC1 protein function with a negative predictive value of 80%. In summary, the available evidence is currently insufficient to determine the role of this variant in disease. Therefore, it has been classified as a Variant of Uncertain Significance.